The following is an entry in ClinVar:

ClinVar aggregate classification (germline): Uncertain significance. Review status: criteria provided, multiple submitters, no conflicts (2 of 4 stars). 2 submissions from 2 submitters: Uncertain significance (2). Last evaluated 2025-10-07.

Conditions:
Inborn genetic diseases. Identifiers: MedGen C0950123, MeSH D030342.

gnomAD v4.1: 23 of 1,269,978 alleles (0.0018%); highest among the groups gnomAD compares: Non-Finnish European, 0.0021%; no homozygotes.

Submissions (2):

Dasa
Classification: Uncertain significance. Last evaluated: 2025-10-07. Review status: criteria provided, single submitter. Criteria: DASA Assertion Criteria. Collection method: clinical testing. Allele origin: germline.
Comment: NM_016148.5(SHANK1):c.3590C>T (p.Ser1197Leu) is a missense variant that results in the substitution of serine with leucine. This variant is rare in population databases. Computational prediction algorithms are consistent with a benign effect. The currently available literature and clinical evidence are not sufficient to establish a definitive association between this variant and the reported condition. Therefore, this variant is classified as a variant of uncertain significance.

Ambry Genetics
Classification: Uncertain significance for Inborn genetic diseases. Last evaluated: 2025-08-29. Review status: criteria provided, single submitter. Criteria: Ambry Variant Classification Scheme 2023. Collection method: clinical testing. Allele origin: germline.

NM_016148.5(SHANK1):c.3590C>T (p.Ser1197Leu)

Gene: SHANK1 (SH3 and multiple ankyrin repeat domains 1; minus strand). Cytogenetic location: 19q13.33.
Variant type: single nucleotide variant.
Coding change: c.3590C>T on transcript NM_016148.5 (MANE Select); coding-DNA position 3590, C replaced by T.
Protein change: p.Ser1197Leu; replaces serine 1197 with leucine.
Molecular consequence: missense variant.
Genome position (GRCh38, 1-based): chr19:50,668,370, G>A on the plus strand (C>T on the coding strand, the complement: SHANK1 is on the minus strand). VCF-style: chr19-50668370-G-A. GRCh37 (hg19) VCF-style: chr19-51171627-G-A.
Other names: short protein forms S1197L.
Identifiers: ClinVar variation 4164457 (VCV004164457.3).
Genomic context (GRCh38, chr19:50,668,370, plus strand): 5'-GGGGTGGGCACGGGCGAGGGGGACGGGGGCACGGGTGACATGGCCGGGGCGGGGCTGGGC[G>A]AGGAGCCGCCGCCGCCGCCGCCTCCCGTGGGCTCCGGCTGGGTGGGGGGCTCCGCCTCGG-3'
Protein context (NP_057232.2, residues 1187-1207): PTGGGGGGGS[Ser1197Leu]PSPAPAMSPV